The following is an entry in ClinVar:

ClinVar aggregate classification (germline): Likely benign (1 of 4 stars; one submission).

Submission:

CeGaT Center for Human Genetics Tuebingen
Classification: Likely benign. Last evaluated: 2026-04-01. Review status: criteria provided, single submitter. Criteria: CeGaT Center For Human Genetics Tuebingen Variant Classification Criteria Version 2. Collection method: clinical testing. Allele origin: germline. Affected: yes. Observed: 1 variant allele.
Comment: TRIB2: PM2:Supporting, BP4, BP7

NM_021643.4(TRIB2):c.300C>A (p.Ser100=)

Gene: TRIB2 (tribbles pseudokinase 2; plus strand). Cytogenetic location: 2p24.3.
Variant type: single nucleotide variant.
Coding change: c.300C>A on transcript NM_021643.4 (MANE Select); coding-DNA position 300, C replaced by A.
Protein change: p.Ser100=; no amino-acid change (serine 100 retained).
Molecular consequence: synonymous variant. On other transcripts: non-coding transcript variant (1).
Genome position (GRCh38, 1-based): chr2:12,723,289, C>A. VCF-style: chr2-12723289-C-A. GRCh37 (hg19) VCF-style: chr2-12863415-C-A.
Identifiers: ClinVar variation 4874062 (VCV004874062.2).